The following is an entry in ClinVar:

NM_031407.7(HUWE1):c.9488G>A (p.Arg3163Lys)

Gene: HUWE1 (HECT, UBA and WWE domain containing E3 ubiquitin protein ligase 1; minus strand). Cytogenetic location: Xp11.22.
Variant type: single nucleotide variant.
Coding change: c.9488G>A on transcript NM_031407.7 (MANE Select); coding-DNA position 9488, G replaced by A.
Protein change: p.Arg3163Lys; replaces arginine 3163 with lysine.
Molecular consequence: missense variant.
Genome position (GRCh38, 1-based): chrX:53,550,666, C>T on the plus strand (G>A on the coding strand, the complement: HUWE1 is on the minus strand). VCF-style: chrX-53550666-C-T. GRCh37 (hg19) VCF-style: chrX-53577627-C-T.
Other names: short protein forms R3163K.
Identifiers: ClinVar variation 2754065 (VCV002754065.3), dbSNP rs2523305499, ClinGen allele CA413140359.

ClinVar aggregate classification (germline): Uncertain significance (1 of 4 stars; one submission).

Submission:

Labcorp Genetics (formerly Invitae), Labcorp
Classification: Uncertain significance. Last evaluated: 2023-12-11. Review status: criteria provided, single submitter. Criteria: Invitae Variant Classification Sherloc (09022015). Collection method: clinical testing. Allele origin: germline.
Comment: This sequence change replaces arginine, which is basic and polar, with lysine, which is basic and polar, at codon 3163 of the HUWE1 protein (p.Arg3163Lys). This variant also falls at the last nucleotide of exon 66, which is part of the consensus splice site for this exon. This variant is not present in population databases (gnomAD no frequency). This variant has not been reported in the literature in individuals affected with HUWE1-related conditions. An algorithm developed to predict the effect of missense changes on protein structure and function (PolyPhen-2) suggests that this variant is likely to be tolerated. Variants that disrupt the consensus splice site are a relatively common cause of aberrant splicing (PMID: 17576681, 9536098). Algorithms developed to predict the effect of sequence changes on RNA splicing suggest that this variant may disrupt the consensus splice site. In summary, the available evidence is currently insufficient to determine the role of this variant in disease. Therefore, it has been classified as a Variant of Uncertain Significance.

Literature cited by the submitters: PubMed 17576681; PubMed 9536098.